The following is an entry in ClinVar:

NM_006031.6(PCNT):c.7581G>T (p.Gln2527His)

Gene: PCNT (pericentrin; plus strand). Cytogenetic location: 21q22.3.
Variant type: single nucleotide variant.
Coding change: c.7581G>T on transcript NM_006031.6 (MANE Select); coding-DNA position 7581, G replaced by T.
Protein change: p.Gln2527His; replaces glutamine 2527 with histidine.
Molecular consequence: missense variant.
Genome position (GRCh38, 1-based): chr21:46,428,481, G>T. VCF-style: chr21-46428481-G-T. GRCh37 (hg19) VCF-style: chr21-47848395-G-T.
Other names: c.7227G>T, p.Gln2409His (NM_001315529.2); short protein forms Q2409H, Q2527H.
Identifiers: ClinVar variation 3344814 (VCV003344814.1).

ClinVar aggregate classification (germline): Uncertain significance (0 of 4 stars; one submission).

Conditions:
PCNT-related disorder. Also called: PCNT-related condition.

Submission:

PreventionGenetics, part of Exact Sciences
Classification: Uncertain significance for PCNT-related condition. Last evaluated: 2024-05-30. Review status: no assertion criteria provided. Collection method: clinical testing. Allele origin: germline.
Comment: The PCNT c.7581G>T variant is predicted to result in the amino acid substitution p.Gln2527His. To our knowledge, this variant has not been reported in the literature. This variant is reported in 0.011% of alleles in individuals of African descent in gnomAD. At this time, the clinical significance of this variant is uncertain due to the absence of conclusive functional and genetic evidence.